The following is an entry in ClinVar:

NM_020821.3(VPS13C):c.8246C>T (p.Thr2749Met)

Gene: VPS13C (vacuolar protein sorting 13 homolog C; minus strand). Cytogenetic location: 15q22.2.
Variant type: single nucleotide variant.
Coding change: c.8246C>T on transcript NM_020821.3 (MANE Select); coding-DNA position 8246, C replaced by T.
Protein change: p.Thr2749Met; replaces threonine 2749 with methionine.
Molecular consequence: missense variant.
Genome position (GRCh38, 1-based): chr15:61,915,832, G>A on the plus strand (C>T on the coding strand, the complement: VPS13C is on the minus strand). VCF-style: chr15-61915832-G-A. GRCh37 (hg19) VCF-style: chr15-62208031-G-A.
Other names: c.8246C>T, p.Thr2749Met (NM_001018088.3); c.8117C>T, p.Thr2706Met (NM_017684.5, NM_018080.4); short protein forms T2749M, T2706M.
Identifiers: ClinVar variation 2346800 (VCV002346800.2), dbSNP rs138157392, ClinGen allele CA7595047.

ClinVar aggregate classification (germline): Uncertain significance (1 of 4 stars; one submission).

Conditions:
Inborn genetic diseases. Identifiers: MedGen C0950123, MeSH D030342.

Allele frequency attached by ClinVar (database versions not stated): gnomAD exomes 0.00008; TOPMed 0.00008; ExAC 0.00015; ESP Exome Variant Server 0.00015; gnomAD 0.00015; 1000 Genomes Project 0.00020; 1000 Genomes Project 30x 0.00047.
gnomAD v4.1: 135 of 1,613,930 alleles (0.0084%); highest among the groups gnomAD compares: South Asian, 0.11%; 2 homozygotes.

Submission:

Ambry Genetics
Classification: Uncertain significance for Inborn genetic diseases. Last evaluated: 2021-01-27. Review status: criteria provided, single submitter. Criteria: Ambry Variant Classification Scheme 2023. Collection method: clinical testing. Allele origin: germline.
Comment: The c.8246C>T (p.T2749M) alteration is located in exon 61 (coding exon 61) of the VPS13C gene. This alteration results from a C to T substitution at nucleotide position 8246, causing the threonine (T) at amino acid position 2749 to be replaced by a methionine (M). The p.T2749M alteration is predicted to be tolerated by in silico analysis. Based on insufficient or conflicting evidence, the clinical significance of this alteration remains unclear.